The following is an entry in ClinVar:

ClinVar aggregate classification (germline): Uncertain significance (1 of 4 stars; one submission).

Conditions:
Idiopathic Pulmonary Fibrosis. Also called: Idiopathic fibrosing alveolitis, chronic form; idiopathic fibrosing alveolitis. Identifiers: Orphanet 2032, MedGen C1800706, MeSH D054990, MONDO:0800504.
Dyskeratosis congenita, autosomal dominant 2. Identifiers: MedGen C3151443, MONDO:0013521, OMIM 613989.

gnomAD v4.1: 1 of 1,614,182 alleles (0.000062%); highest among the groups gnomAD compares: Non-Finnish European, 0.000085%; no homozygotes.

Submission:

Labcorp Genetics (formerly Invitae), Labcorp
Classification: Uncertain significance for Dyskeratosis congenita, autosomal dominant 2; Idiopathic Pulmonary Fibrosis. Last evaluated: 2023-06-03. Review status: criteria provided, single submitter. Criteria: Invitae Variant Classification Sherloc (09022015). Collection method: clinical testing. Allele origin: germline.
Comment: In summary, the available evidence is currently insufficient to determine the role of this variant in disease. Therefore, it has been classified as a Variant of Uncertain Significance. Advanced modeling of protein sequence and biophysical properties (such as structural, functional, and spatial information, amino acid conservation, physicochemical variation, residue mobility, and thermodynamic stability) performed at Invitae indicates that this missense variant is expected to disrupt TERT protein function. This variant has not been reported in the literature in individuals affected with TERT-related conditions. This variant is not present in population databases (gnomAD no frequency). This sequence change replaces arginine, which is basic and polar, with glycine, which is neutral and non-polar, at codon 971 of the TERT protein (p.Arg971Gly).

NM_198253.3(TERT):c.2911C>G (p.Arg971Gly)

Gene: TERT (telomerase reverse transcriptase; minus strand). Cytogenetic location: 5p15.33.
Variant type: single nucleotide variant.
Coding change: c.2911C>G on transcript NM_198253.3 (MANE Select); coding-DNA position 2911, C replaced by G.
Protein change: p.Arg971Gly; replaces arginine 971 with glycine.
Molecular consequence: missense variant. On other transcripts: non-coding transcript variant (2).
Genome position (GRCh38, 1-based): chr5:1,260,533, G>C on the plus strand (C>G on the coding strand, the complement: TERT is on the minus strand). VCF-style: chr5-1260533-G-C. GRCh37 (hg19) VCF-style: chr5-1260648-G-C.
Other names: c.2722C>G, p.Arg908Gly (NM_001193376.3); c.2911C>G, p.Arg971Gly (NM_003219.1); short protein forms R908G, R971G.
Identifiers: ClinVar variation 2948486 (VCV002948486.3), dbSNP rs2126584533, ClinGen allele CA359069995.
Genomic context (GRCh38, chr5:1,260,533, plus strand): 5'-CCTGCAAATCCAGAAACAGGCTGTGACACTTCAGCCGCAAGACCCCAAAGAGTTTGCGAC[G>C]CATGTTCCTCCCAGCCTTGAAGCCGCGGTTGAAGGTGAGACTGGCTCTGATGGAGGTCCG-3'
Protein context (NP_937983.2, residues 961-981): NRGFKAGRNM[Arg971Gly]RKLFGVLRLK